The following is an entry in ClinVar:

ClinVar aggregate classification (germline): Benign/Likely benign. Review status: criteria provided, multiple submitters, no conflicts (2 of 4 stars). 5 submissions from 5 submitters: Benign (3); Likely benign (2). Last evaluated 2025-08-11.

Conditions:
Long QT syndrome (LQTS). Identifiers: MedGen C0023976, MeSH D008133, MONDO:0002442. Disease mechanism: loss of function. Inheritance: Various modes of inheritance.
Cardiac arrhythmia, ankyrin-B-related. Also called: ANKYRIN-B SYNDROME. Identifiers: Orphanet 101016, Orphanet 768, MedGen C1970119, MONDO:0010958, OMIM 600919.

Allele frequency attached by ClinVar (database versions not stated): gnomAD 0.00016 and 0.00027; TOPMed 0.00023; ExAC 0.00045; gnomAD exomes 0.00059; 1000 Genomes Project 30x 0.00187; 1000 Genomes Project 0.00220.
gnomAD v4.1: 199 of 1,543,452 alleles (0.013%); highest among the groups gnomAD compares: East Asian, 0.4%; 1 homozygote.

Submissions (5):

Labcorp Genetics (formerly Invitae), Labcorp
Classification: Benign for Long QT syndrome. Last evaluated: 2025-08-11. Review status: criteria provided, single submitter. Criteria: Invitae Variant Classification Sherloc (09022015). Collection method: clinical testing. Allele origin: germline.

Blueprint Genetics
Classification: Likely benign. Last evaluated: 2024-09-18. Review status: criteria provided, single submitter. Criteria: ACMG Guidelines, 2015. Collection method: clinical testing. Allele origin: germline.

Women's Health and Genetics/Laboratory Corporation of America, LabCorp
Classification: Benign. Last evaluated: 2023-04-10. Review status: criteria provided, single submitter. Criteria: LabCorp Variant Classification Summary - May 2015. Collection method: clinical testing. Allele origin: germline.

Fulgent Genetics
Classification: Likely benign for Cardiac arrhythmia, ankyrin-B-related. Last evaluated: 2021-08-18. Review status: criteria provided, single submitter. Criteria: ACMG Guidelines, 2015. Collection method: clinical testing. Allele origin: unknown.

GeneDx
Classification: Benign. Last evaluated: 2013-10-21. Review status: criteria provided, single submitter. Criteria: GeneDx Variant Classification (06012015). Collection method: clinical testing. Allele origin: germline. Affected: yes.
Comment: This variant is considered likely benign or benign based on one or more of the following criteria: it is a conservative change, it occurs at a poorly conserved position in the protein, it is predicted to be benign by multiple in silico algorithms, and/or has population frequency not consistent with disease.

NM_001148.6(ANK2):c.2080-18G>T

Gene: ANK2 (ankyrin 2; plus strand). Cytogenetic location: 4q26.
Variant type: single nucleotide variant.
Coding change: c.2080-18G>T on transcript NM_001148.6 (MANE Select); 18 bases into the intron before coding-DNA position 2080, G replaced by T.
Molecular consequence: intron variant.
Genome position (GRCh38, 1-based): chr4:113,287,587, G>T. VCF-style: chr4-113287587-G-T. GRCh37 (hg19) VCF-style: chr4-114208743-G-T.
Other names: c.2080-18G>T (NM_001354228.2, NM_001354258.2, NM_020977.5 and 6 more transcripts); c.1981-18G>T (NM_001354245.2, NM_001354268.2); c.1882-18G>T (NM_001354273.2); c.2125-18G>T (NM_001386152.1, NM_001354237.2, NM_001354230.2 and 5 more transcripts); c.2131-18G>T (NM_001386174.1); c.2107-18G>T (NM_001386175.1); c.2068-18G>T (NM_001386186.2, NM_001386148.2); c.1870-18G>T (NM_001354269.3); and 8 more.
Identifiers: ClinVar variation 136385 (VCV000136385.8), dbSNP rs199937888, ClinGen allele CA289441.